The following is an entry in ClinVar:

NM_004360.5(CDH1):c.811G>T (p.Val271Phe)

Gene: CDH1 (cadherin 1; plus strand). Cytogenetic location: 16q22.1.
Variant type: single nucleotide variant.
Coding change: c.811G>T on transcript NM_004360.5 (MANE Select); coding-DNA position 811, G replaced by T.
Protein change: p.Val271Phe; replaces valine 271 with phenylalanine.
Molecular consequence: missense variant. On other transcripts: 5 prime UTR variant (2).
Genome position (GRCh38, 1-based): chr16:68,810,320, G>T. VCF-style: chr16-68810320-G-T. GRCh37 (hg19) VCF-style: chr16-68844223-G-T.
Other names: c.811G>T, p.Val271Phe (NM_001317184.2); c.-805G>T (NM_001317185.2); c.-1009G>T (NM_001317186.2); short protein forms V271F.
Identifiers: ClinVar variation 3224189 (VCV003224189.3), dbSNP rs2152131174, ClinGen allele CA396458910.

ClinVar aggregate classification (germline): Uncertain significance. Review status: criteria provided, multiple submitters, no conflicts (2 of 4 stars). 2 submissions from 2 submitters: Uncertain significance (2). Last evaluated 2024-06-11.

Conditions:
Hereditary cancer-predisposing syndrome. Also called: Hereditary Cancer Syndrome; Tumor predisposition; Neoplastic Syndromes, Hereditary; Hereditary neoplastic syndrome. Identifiers: Orphanet 140162, MedGen C0027672, MeSH D009386, MONDO:0015356.
Hereditary diffuse gastric adenocarcinoma (HDGC). Also called: DIFFUSE GASTRIC AND LOBULAR BREAST CANCER SYNDROME. Identifiers: Orphanet 26106, MedGen C1708349, MONDO:0007648, OMIM 137215.

Allele frequency attached by ClinVar (database versions not stated): gnomAD exomes 0.00001.
gnomAD v4.1: 5 of 1,614,096 alleles (0.00031%); highest among the groups gnomAD compares: Non-Finnish European, 0.00042%; no homozygotes.

Submissions (2):

Labcorp Genetics (formerly Invitae), Labcorp
Classification: Uncertain significance for Hereditary diffuse gastric adenocarcinoma. Last evaluated: 2024-06-11. Review status: criteria provided, single submitter. Criteria: Invitae Variant Classification Sherloc (09022015). Collection method: clinical testing. Allele origin: germline.
Comment: This sequence change replaces valine, which is neutral and non-polar, with phenylalanine, which is neutral and non-polar, at codon 271 of the CDH1 protein (p.Val271Phe). This variant is not present in population databases (gnomAD no frequency). This variant has not been reported in the literature in individuals affected with CDH1-related conditions. An algorithm developed to predict the effect of missense changes on protein structure and function (PolyPhen-2) suggests that this variant is likely to be disruptive. In summary, the available evidence is currently insufficient to determine the role of this variant in disease. Therefore, it has been classified as a Variant of Uncertain Significance.

Ambry Genetics
Classification: Uncertain significance for Hereditary cancer-predisposing syndrome. Last evaluated: 2024-02-14. Review status: criteria provided, single submitter. Criteria: Ambry Variant Classification Scheme 2023. Collection method: clinical testing. Allele origin: germline.
Comment: The p.V271F variant (also known as c.811G>T), located in coding exon 6 of the CDH1 gene, results from a G to T substitution at nucleotide position 811. The valine at codon 271 is replaced by phenylalanine, an amino acid with highly similar properties. This amino acid position is well conserved in available vertebrate species. In addition, this alteration is predicted to be deleterious by in silico analysis. Based on the available evidence, the clinical significance of this alteration remains unclear.